The following is an entry in ClinVar:

NM_014000.3(VCL):c.1732G>A (p.Asp578Asn)

Gene: VCL (vinculin; plus strand). Cytogenetic location: 10q22.2.
Variant type: single nucleotide variant.
Coding change: c.1732G>A on transcript NM_014000.3 (MANE Select); coding-DNA position 1732, G replaced by A.
Protein change: p.Asp578Asn; replaces aspartic acid 578 with asparagine.
Molecular consequence: missense variant.
Genome position (GRCh38, 1-based): chr10:74,095,844, G>A. VCF-style: chr10-74095844-G-A. GRCh37 (hg19) VCF-style: chr10-75855602-G-A.
Other names: c.1732G>A, p.Asp578Asn (NM_003373.4); short protein forms D578N.
Identifiers: ClinVar variation 1018430 (VCV001018430.8), dbSNP rs1839960250, ClinGen allele CA377275300.

ClinVar aggregate classification (germline): Uncertain significance (1 of 4 stars; one submission).

Conditions:
Dilated cardiomyopathy 1W (CMD1W). Identifiers: Orphanet 154, MedGen C1969639, MONDO:0012667, OMIM 611407.

Submission:

Labcorp Genetics (formerly Invitae), Labcorp
Classification: Uncertain significance for Dilated cardiomyopathy 1W. Last evaluated: 2022-03-09. Review status: criteria provided, single submitter. Criteria: Invitae Variant Classification Sherloc (09022015). Collection method: clinical testing. Allele origin: germline.
Comment: This variant has not been reported in the literature in individuals affected with VCL-related conditions. In summary, the available evidence is currently insufficient to determine the role of this variant in disease. Therefore, it has been classified as a Variant of Uncertain Significance. Algorithms developed to predict the effect of missense changes on protein structure and function are either unavailable or do not agree on the potential impact of this missense change (SIFT: "Not Available"; PolyPhen-2: "Benign"; Align-GVGD: "Not Available"). ClinVar contains an entry for this variant (Variation ID: 1018430). This variant is not present in population databases (gnomAD no frequency). This sequence change replaces aspartic acid, which is acidic and polar, with asparagine, which is neutral and polar, at codon 578 of the VCL protein (p.Asp578Asn).